The following is an entry in ClinVar:

ClinVar aggregate classification (germline): Uncertain significance (1 of 4 stars; one submission).

Conditions:
Brugada syndrome 4 (BRGDA4). Identifiers: Orphanet 130, MedGen C2678477, MONDO:0012743, OMIM 611876.

gnomAD v4.1: 1 of 1,613,598 alleles (0.000062%); highest among the groups gnomAD compares: Non-Finnish European, 0.000085%; no homozygotes.

Submission:

Labcorp Genetics (formerly Invitae), Labcorp
Classification: Uncertain significance for Brugada syndrome 4. Last evaluated: 2025-08-06. Review status: criteria provided, single submitter. Criteria: Invitae Variant Classification Sherloc (09022015). Collection method: clinical testing. Allele origin: germline.
Comment: This sequence change replaces glycine, which is neutral and non-polar, with glutamic acid, which is acidic and polar, at codon 260 of the CACNB2 protein (p.Gly260Glu). This variant is not present in population databases (gnomAD no frequency). This variant has not been reported in the literature in individuals affected with CACNB2-related conditions. Invitae Evidence Modeling of protein sequence and biophysical properties (such as structural, functional, and spatial information, amino acid conservation, physicochemical variation, residue mobility, and thermodynamic stability) indicates that this missense variant is expected to disrupt CACNB2 protein function with a positive predictive value of 80%. In summary, the available evidence is currently insufficient to determine the role of this variant in disease. Therefore, it has been classified as a Variant of Uncertain Significance.

NM_201596.3(CACNB2):c.941G>A (p.Gly314Glu)

Gene: CACNB2 (calcium voltage-gated channel auxiliary subunit beta 2; plus strand). Cytogenetic location: 10p12.31.
Variant type: single nucleotide variant.
Coding change: c.941G>A on transcript NM_201596.3 (MANE Select); coding-DNA position 941, G replaced by A.
Protein change: p.Gly314Glu; replaces glycine 314 with glutamic acid.
Molecular consequence: missense variant.
Genome position (GRCh38, 1-based): chr10:18,518,965, G>A. VCF-style: chr10-18518965-G-A. GRCh37 (hg19) VCF-style: chr10-18807894-G-A.
Other names: c.857G>A, p.Gly286Glu (NM_201571.4); c.785G>A, p.Gly262Glu (NM_201572.4); c.779G>A, p.Gly260Glu (NM_201590.3); c.827G>A, p.Gly276Glu (NM_201593.3); c.869G>A, p.Gly290Glu (NM_201597.3); c.776G>A, p.Gly259Glu (NM_000724.4); c.743G>A, p.Gly248Glu (NM_001167945.2); c.662G>A, p.Gly221Glu (NM_001330060.2); and 2 more; short protein forms G259E, G262E, G266E, G286E, G290E, G221E, G228E, G260E.
Identifiers: ClinVar variation 4781208 (VCV004781208.1).
Genomic context (GRCh38, chr10:18,518,965, plus strand): 5'-TGCAGGTCACAGATATGATGCAAAAAGCGCTGTTTGATTTTTTAAAACACAGATTTGAAG[G>A]GCGGTGAGTATTTCAGCATACTGGGTTTTGTGGATTTTGTCTTAAAGATGGCAAAACGCT-3'
Protein context (NP_963890.2, residues 304-324): LFDFLKHRFE[Gly314Glu]RISITRVTAD